The following is an entry in ClinVar:

ClinVar aggregate classification (germline): Uncertain significance (1 of 4 stars; one submission).

Submission:

GeneDx
Classification: Uncertain significance. Last evaluated: 2024-11-27. Review status: criteria provided, single submitter. Criteria: GeneDx Variant Classification Process June 2021. Collection method: clinical testing. Allele origin: germline. Affected: yes.
Comment: Not observed at significant frequency in large population cohorts (gnomAD); In silico analysis supports that this missense variant has a deleterious effect on protein structure/function; Has not been previously published as pathogenic or benign to our knowledge

NM_001281775.3(ZMYND8):c.2039C>T (p.Pro680Leu)

Gene: ZMYND8 (zinc finger MYND-type containing 8; minus strand). Cytogenetic location: 20q13.12.
Variant type: single nucleotide variant.
Coding change: c.2039C>T on transcript NM_001281775.3 (MANE Select); coding-DNA position 2039, C replaced by T.
Protein change: p.Pro680Leu; replaces proline 680 with leucine.
Molecular consequence: missense variant.
Genome position (GRCh38, 1-based): chr20:47,246,253, G>A on the plus strand (C>T on the coding strand, the complement: ZMYND8 is on the minus strand). VCF-style: chr20-47246253-G-A. GRCh37 (hg19) VCF-style: chr20-45874997-G-A.
Other names: c.1964C>T, p.Pro655Leu (NM_001281771.3, NM_001281777.3, NM_001281778.3 and 2 more transcripts); c.1979C>T, p.Pro660Leu (NM_001281772.3, NM_001281773.3, NM_001281774.3 and 1 more transcripts); c.2039C>T, p.Pro680Leu (NM_001281776.3, NM_001281783.3, NM_012408.6 and 1 more transcripts); c.1235C>T, p.Pro412Leu (NM_001281779.3, NM_001281780.3); c.1823C>T, p.Pro608Leu (NM_001281781.3, NM_001281784.3); c.2060C>T, p.Pro687Leu (NM_001363714.1); short protein forms P412L, P608L, P655L, P660L, P680L, P687L.
Identifiers: ClinVar variation 3900821 (VCV003900821.1).
Genomic context (GRCh38, chr20:47,246,253, plus strand): 5'-TTTGCCTTTTCGGAAAAGTCCTTCTCAGGCTCAGGGCTGGCCTTGTCCTTGACTGCTCCA[G>A]GGTCTGCCTTCTCGCTGGCTGGTGACGTGCTTTTCAGCTCCTCTTTAATCTCCACTGGGT-3'
Protein context (NP_001268704.1, residues 670-690): STSPASEKAD[Pro680Leu]GAVKDKASPE